The following is an entry in ClinVar:

NM_001172303.3(MASTL):c.2060A>G (p.Tyr687Cys)

Gene: MASTL (microtubule associated serine/threonine kinase like; plus strand). Cytogenetic location: 10p12.1.
Variant type: single nucleotide variant.
Coding change: c.2060A>G on transcript NM_001172303.3 (MANE Select); coding-DNA position 2060, A replaced by G.
Protein change: p.Tyr687Cys; replaces tyrosine 687 with cysteine.
Molecular consequence: missense variant. On other transcripts: non-coding transcript variant (1).
Genome position (GRCh38, 1-based): chr10:27,171,019, A>G. VCF-style: chr10-27171019-A-G. GRCh37 (hg19) VCF-style: chr10-27459948-A-G.
Other names: c.2060A>G, p.Tyr687Cys (NM_001172304.3, NM_001320756.2, NM_001320757.2 and 1 more transcripts); c.1577A>G, p.Tyr526Cys (NM_001372029.1, NM_001372030.1); c.2060A>G (NM_032844.4); short protein forms Y687C, Y526C.
Identifiers: ClinVar variation 880270 (VCV000880270.9), dbSNP rs41282224, ClinGen allele CA5450332.
Genomic context (GRCh38, chr10:27,171,019, plus strand): 5'-ACTCAGAACCATCCAGAATGAACATGACTTCTTTAGATGCAATGGATATTTCGTGTGCCT[A>G]CAGTGGTTCATATCCCATGGCTATAACCCCTACTCAAAAAAGAAGATCCTGTATGCCACA-3'
Protein context (NP_001165774.1, residues 677-697): SLDAMDISCA[Tyr687Cys]SGSYPMAITP

ClinVar aggregate classification (germline): Conflicting classifications of pathogenicity. Review status: criteria provided, conflicting classifications (1 of 4 stars). 4 submissions from 4 submitters: Uncertain significance (1); Benign (1); Likely benign (1). 1 of the submissions does not count toward it. Last evaluated 2024-11-26.

Conditions:
Thrombocytopenia. Identifiers: MedGen C0040034, MeSH D013921, MONDO:0002049, HP:0001873.
MASTL-related disorder. Also called: MASTL-related condition.

Allele frequency attached by ClinVar (database versions not stated): 1000 Genomes Project 30x 0.00078; 1000 Genomes Project 0.00080; gnomAD exomes 0.00082 and 0.00089; ExAC 0.00087; gnomAD 0.00089 and 0.00091; TOPMed 0.00099; ESP Exome Variant Server 0.00138.
gnomAD v4.1: 1,444 of 1,614,138 alleles (0.089%); highest among the groups gnomAD compares: Middle Eastern, 0.15%; 2 homozygotes.

Submissions (4):

Blueprint Genetics
Classification: Likely benign. Last evaluated: 2024-11-26. Review status: criteria provided, single submitter. Criteria: ACMG Guidelines, 2015. Collection method: clinical testing. Allele origin: germline.

Ambry Genetics
Classification: Uncertain significance. Last evaluated: 2021-07-20. Review status: criteria provided, single submitter. Criteria: Ambry Variant Classification Scheme 2023. Collection method: clinical testing. Allele origin: germline.

Illumina Laboratory Services, Illumina
Classification: Benign for Thrombocytopenia. Last evaluated: 2018-01-13. Review status: criteria provided, single submitter. Criteria: ICSL Variant Classification Criteria 13 December 2019. Collection method: clinical testing. Allele origin: germline.
Comment: This variant was observed in the ICSL laboratory as part of a predisposition screen in an ostensibly healthy population. It had not been previously curated by ICSL or reported in the Human Gene Mutation Database (HGMD: prior to June 1st, 2018), and was therefore a candidate for classification through an automated scoring system. Utilizing variant allele frequency, disease prevalence and penetrance estimates, and inheritance mode, an automated score was calculated to assess if this variant is too frequent to cause the disease. Based on the score and internal cut-off values, a variant classified as benign is not then subjected to further curation. The score for this variant resulted in a classification of benign for this disease.

PreventionGenetics, part of Exact Sciences
Classification: Uncertain significance for MASTL-related condition. Last evaluated: 2023-12-19. Review status: no assertion criteria provided. Collection method: clinical testing. Allele origin: germline. Not counted in ClinVar's aggregate classification.
Comment: The MASTL c.2060A>G variant is predicted to result in the amino acid substitution p.Tyr687Cys. To our knowledge, this variant has not been reported in the literature. This variant is reported in 0.14% of alleles in individuals of European (Non-Finnish) descent in gnomAD, which is likely too common for an undocumented disease-causing variant. Although we suspect that this variant may be benign, at this time, the clinical significance of this variant is uncertain due to the absence of conclusive functional and genetic evidence.